The following is an entry in ClinVar:

ClinVar aggregate classification (germline): Likely pathogenic (1 of 4 stars; one submission).

Conditions:
RASopathy. Also called: Noonan spectrum disorder; rasopathies. Identifiers: Orphanet 536391, MedGen C5555857, MONDO:0021060.

Submission:

Labcorp Genetics (formerly Invitae), Labcorp
Classification: Likely pathogenic for RASopathy. Last evaluated: 2024-10-08. Review status: criteria provided, single submitter. Criteria: Invitae Variant Classification Sherloc (09022015). Collection method: clinical testing. Allele origin: germline.
Comment: This sequence change replaces threonine, which is neutral and polar, with proline, which is neutral and non-polar, at codon 266 of the SOS1 protein (p.Thr266Pro). This variant is not present in population databases (gnomAD no frequency). This variant has not been reported in the literature in individuals affected with SOS1-related conditions. ClinVar contains an entry for this variant (Variation ID: 1480819). Invitae Evidence Modeling of protein sequence and biophysical properties (such as structural, functional, and spatial information, amino acid conservation, physicochemical variation, residue mobility, and thermodynamic stability) has been performed for this missense variant. However, the output from this modeling did not meet the statistical confidence thresholds required to predict the impact of this variant on SOS1 protein function. This variant disrupts the p.Thr266 amino acid residue in SOS1. Other variant(s) that disrupt this residue have been determined to be pathogenic (PMID: 17143285, 19953625, 21387466, 23665959). This suggests that this residue is clinically significant, and that variants that disrupt this residue are likely to be disease-causing. In summary, the currently available evidence indicates that the variant is pathogenic, but additional data are needed to prove that conclusively. Therefore, this variant has been classified as Likely Pathogenic.

Literature cited by the submitters: PubMed 17143285; PubMed 19953625; PubMed 21387466; PubMed 23665959.

NM_005633.4(SOS1):c.796A>C (p.Thr266Pro)

Gene: SOS1 (SOS Ras/Rac guanine nucleotide exchange factor 1; minus strand). Cytogenetic location: 2p22.1.
Variant type: single nucleotide variant.
Coding change: c.796A>C on transcript NM_005633.4 (MANE Select); coding-DNA position 796, A replaced by C.
Protein change: p.Thr266Pro; replaces threonine 266 with proline.
Molecular consequence: missense variant.
Genome position (GRCh38, 1-based): chr2:39,051,212, T>G on the plus strand (A>C on the coding strand, the complement: SOS1 is on the minus strand). VCF-style: chr2-39051212-T-G. GRCh37 (hg19) VCF-style: chr2-39278353-T-G.
Other names: c.775A>C, p.Thr259Pro (NM_001382394.1); c.796A>C, p.Thr266Pro (NM_001382395.1); short protein forms T259P, T266P.
Identifiers: ClinVar variation 1480819 (VCV001480819.6), dbSNP rs2124596942, ClinGen allele CA346367692.